The following is an entry in ClinVar:

ClinVar aggregate classification (germline): Uncertain significance (1 of 4 stars; one submission).

Conditions:
PIK3CD-related disorder. Also called: PIK3CD-related condition.

Submission:

PreventionGenetics, part of Exact Sciences
Classification: Uncertain significance for PIK3CD-related condition. Last evaluated: 2026-05-04. Review status: criteria provided, single submitter. Criteria: ACMG Guidelines, 2015. Collection method: clinical testing. Allele origin: germline.
Comment: The PIK3CD c.2155A>G variant is predicted to result in the amino acid substitution p.Met719Val. To our knowledge, this variant has not been reported in the literature or in a large population database (gnomAD), indicating this variant is rare. At this time, the clinical significance of this variant is uncertain due to the absence of conclusive functional and genetic evidence.

NM_005026.5(PIK3CD):c.2155A>G (p.Met719Val)

Gene: PIK3CD (phosphatidylinositol-4,5-bisphosphate 3-kinase catalytic subunit delta; plus strand). Cytogenetic location: 1p36.22.
Variant type: single nucleotide variant.
Coding change: c.2155A>G on transcript NM_005026.5 (MANE Select); coding-DNA position 2155, A replaced by G.
Protein change: p.Met719Val; replaces methionine 719 with valine.
Molecular consequence: missense variant.
Genome position (GRCh38, 1-based): chr1:9,722,074, A>G. VCF-style: chr1-9722074-A-G. GRCh37 (hg19) VCF-style: chr1-9782132-A-G.
Other names: c.2152A>G, p.Met718Val (NM_001350234.2, NM_001439206.1); c.2068A>G, p.Met690Val (NM_001350235.1); c.2155A>G, p.Met719Val (NM_001437546.1); c.2011A>G, p.Met671Val (NM_001437547.1, NM_001438338.1); short protein forms M690V, M671V, M718V, M719V.
Identifiers: ClinVar variation 4993920 (VCV004993920.1).